The following is an entry in ClinVar:

ClinVar aggregate classification (germline): Likely benign. Review status: criteria provided, single submitter (1 of 4 stars). 2 submissions from 2 submitters: Likely benign (1). 1 of the submissions does not count toward it. Last evaluated 2022-09-27.

Conditions:
LRP5-related disorder. Also called: LRP5-related condition.

Allele frequency attached by ClinVar (database versions not stated): TOPMed below 0.00001; gnomAD 0.00001; gnomAD exomes 0.00001; ExAC 0.00002.
gnomAD v4.1: 19 of 1,614,016 alleles (0.0012%); highest among the groups gnomAD compares: Non-Finnish European, 0.0015%; no homozygotes.

Submissions (2):

Labcorp Genetics (formerly Invitae), Labcorp
Classification: Likely benign. Last evaluated: 2022-09-27. Review status: criteria provided, single submitter. Criteria: Invitae Variant Classification Sherloc (09022015). Collection method: clinical testing. Allele origin: germline.

PreventionGenetics, part of Exact Sciences
Classification: Likely benign for LRP5-related condition. Last evaluated: 2021-12-13. Review status: no assertion criteria provided. Collection method: clinical testing. Allele origin: germline. Not counted in ClinVar's aggregate classification.
Comment: This variant is classified as likely benign based on ACMG/AMP sequence variant interpretation guidelines (Richards et al. 2015 PMID: 25741868, with internal and published modifications).

NM_002335.4(LRP5):c.204G>A (p.Val68=)

Gene: LRP5 (LDL receptor related protein 5; plus strand). Cytogenetic location: 11q13.2.
Variant type: single nucleotide variant.
Coding change: c.204G>A on transcript NM_002335.4 (MANE Select); coding-DNA position 204, G replaced by A.
Protein change: p.Val68=; no amino-acid change (valine 68 retained).
Molecular consequence: synonymous variant. On other transcripts: 5 prime UTR variant (1).
Genome position (GRCh38, 1-based): chr11:68,347,959, G>A. VCF-style: chr11-68347959-G-A. GRCh37 (hg19) VCF-style: chr11-68115427-G-A.
Other names: c.-1562G>A (NM_001291902.2); c.204G>A (NM_002335.3).
Identifiers: ClinVar variation 1935492 (VCV001935492.7), dbSNP rs747974546, ClinGen allele CA6148934.
Genomic context (GRCh38, chr11:68,347,959, plus strand): 5'-CGGCGGAGTCAAGCTGGAGTCCACCATCGTGGTCAGCGGCCTGGAGGATGCGGCCGCAGT[G>A]GACTTCCAGTTTTCCAAGGGAGCCGTGTACTGGACAGACGTGAGCGAGGAGGCCATCAAG-3'
Protein context (NP_002326.2, residues 58-78): VVSGLEDAAA[Val68=]DFQFSKGAVY